The following is an entry in ClinVar:

NM_000257.4(MYH7):c.4767C>A (p.Asn1589Lys)

Genes: MHRT (myosin heavy chain associated RNA transcript; plus strand), MYH7 (myosin heavy chain 7; minus strand), LOC126861897 (BRD4-independent group 4 enhancer GRCh37_chr14:23884455-23885654; plus strand). Cytogenetic location: 14q11.2.
Variant type: single nucleotide variant.
Coding change: c.4767C>A on transcript NM_000257.4 (MANE Select); coding-DNA position 4767, C replaced by A.
Protein change: p.Asn1589Lys; replaces asparagine 1589 with lysine.
Molecular consequence: missense variant. On other transcripts: non-coding transcript variant (1).
Genome position (GRCh38, 1-based): chr14:23,416,190, G>T on the plus strand (C>A on the coding strand, the complement: MYH7 is on the minus strand). VCF-style: chr14-23416190-G-T. GRCh37 (hg19) VCF-style: chr14-23885399-G-T.
Other names: c.4767C>A, p.Asn1589Lys (NM_001407004.1); short protein forms N1589K.
Identifiers: ClinVar variation 4710123 (VCV004710123.1).

ClinVar aggregate classification (germline): Uncertain significance (1 of 4 stars; one submission).

Conditions:
Hypertrophic cardiomyopathy. Also called: HYPERTROPHIC MYOCARDIOPATHY. Identifiers: Orphanet 217569, MedGen C0007194, MeSH D002312, MONDO:0005045, HP:0001639.

Submission:

Labcorp Genetics (formerly Invitae), Labcorp
Classification: Uncertain significance for Hypertrophic cardiomyopathy. Last evaluated: 2025-03-27. Review status: criteria provided, single submitter. Criteria: Invitae Variant Classification Sherloc (09022015). Collection method: clinical testing. Allele origin: germline.
Comment: This sequence change replaces asparagine, which is neutral and polar, with lysine, which is basic and polar, at codon 1589 of the MYH7 protein (p.Asn1589Lys). This variant is not present in population databases (gnomAD no frequency). This missense change has been observed in individual(s) with hypertrophic cardiomyopathy (PMID: 25132132). Invitae Evidence Modeling of protein sequence and biophysical properties (such as structural, functional, and spatial information, amino acid conservation, physicochemical variation, residue mobility, and thermodynamic stability) has been performed for this missense variant. However, the output from this modeling did not meet the statistical confidence thresholds required to predict the impact of this variant on MYH7 protein function. In summary, the available evidence is currently insufficient to determine the role of this variant in disease. Therefore, it has been classified as a Variant of Uncertain Significance.

Literature cited by the submitters: PubMed 25132132.